The following is an entry in ClinVar:

NM_000498.3(CYP11B2):c.945C>T (p.Ser315=)

Genes: CYP11B2 (cytochrome P450 family 11 subfamily B member 2; minus strand), LOC106799834 (CYP11B2 recombination region; plus strand). Cytogenetic location: 8q24.3.
Variant type: single nucleotide variant.
Coding change: c.945C>T on transcript NM_000498.3 (MANE Select); coding-DNA position 945, C replaced by T.
Protein change: p.Ser315=; no amino-acid change (serine 315 retained).
Molecular consequence: synonymous variant.
Genome position (GRCh38, 1-based): chr8:142,914,273, G>A on the plus strand (C>T on the coding strand, the complement: CYP11B2 is on the minus strand). VCF-style: chr8-142914273-G-A. GRCh37 (hg19) VCF-style: chr8-143995689-G-A.
Identifiers: ClinVar variation 362205 (VCV000362205.20), dbSNP rs759178574, ClinGen allele CA4906034.

ClinVar aggregate classification (germline): Benign/Likely benign. Review status: criteria provided, multiple submitters, no conflicts (2 of 4 stars). 6 submissions from 4 submitters: Benign (1); Likely benign (5). Last evaluated 2026-02-01.

Conditions:
Corticosterone 18-monooxygenase deficiency. Also called: ALDOSTERONE DEFICIENCY DUE TO DEFECT IN STEROID 18-HYDROXYLASE; ALDOSTERONE DEFICIENCY I; CMO I DEFICIENCY; STEROID 18-HYDROXYLASE DEFICIENCY; 18 Hydroxylase deficiency; Aldosterone deficiency due to defect in 18 hydroxylase. Identifiers: Orphanet 427, MedGen C0268293, MONDO:0008751, OMIM 203400. Disease mechanism: loss of function.
Corticosterone methyloxidase type 2 deficiency. Also called: 18-OXIDASE DEFICIENCY; ALDOSTERONE DEFICIENCY DUE TO DEFICIENCY OF STEROID 18-OXIDASE; ALDOSTERONE DEFICIENCY II; CMO II DEFICIENCY; STEROID 18-OXIDASE DEFICIENCY. Identifiers: Orphanet 427, MedGen C3463917, MONDO:0012524, OMIM 610600. Disease mechanism: loss of function.
Glucocorticoid-remediable aldosteronism. Also called: FH I; GLUCOCORTICOID-SUPPRESSIBLE HYPERALDOSTERONISM; Hyperaldosteronism, familial, type I; ALDOSTERONISM, SENSITIVE TO DEXAMETHASONE; ACTH-DEPENDENT HYPERALDOSTERONISM SYNDROME. Identifiers: Orphanet 403, MedGen C3838731, MONDO:0007080, OMIM 103900.

Allele frequency attached by ClinVar (database versions not stated): gnomAD 0.00002 and 0.00003; gnomAD exomes 0.00006 and 0.00030; TOPMed 0.00019; ExAC 0.00026.

Submissions (6):

CeGaT Center for Human Genetics Tuebingen
Classification: Likely benign. Last evaluated: 2026-02-01. Review status: criteria provided, single submitter. Criteria: CeGaT Center For Human Genetics Tuebingen Variant Classification Criteria Version 2. Collection method: clinical testing. Allele origin: germline. Affected: yes. Observed: 1 variant allele.
Comment: CYP11B2: BP4, BP7

Labcorp Genetics (formerly Invitae), Labcorp
Classification: Benign. Last evaluated: 2024-12-20. Review status: criteria provided, single submitter. Criteria: Invitae Variant Classification Sherloc (09022015). Collection method: clinical testing. Allele origin: germline.

Fulgent Genetics
Classification: Likely benign for Corticosterone 18-monooxygenase deficiency; Corticosterone methyloxidase type 2 deficiency. Last evaluated: 2022-04-12. Review status: criteria provided, single submitter. Criteria: ACMG Guidelines, 2015. Collection method: clinical testing. Allele origin: unknown.

Illumina Laboratory Services, Illumina
Classification: Likely benign for Hyperaldosteronism, familial, type I. Last evaluated: 2017-04-28. Review status: criteria provided, single submitter. Criteria: ICSL Variant Classification Criteria 13 December 2019. Collection method: clinical testing. Allele origin: germline.
Comment: This variant was observed as part of a predisposition screen in an ostensibly healthy population. A literature search was performed for the gene, cDNA change, and amino acid change (where applicable). No publications were found based on this search. Allele frequency data from public databases allowed determination this variant is unlikely to cause disease. Therefore, this variant is classified as likely benign.

Illumina Laboratory Services, Illumina
Classification: Likely benign for Corticosterone methyloxidase type 2 deficiency. Last evaluated: 2017-04-28. Review status: criteria provided, single submitter. Criteria: ICSL Variant Classification Criteria 13 December 2019. Collection method: clinical testing. Allele origin: germline.
Comment: the same text as in the submission from Illumina Laboratory Services, Illumina above.

Illumina Laboratory Services, Illumina
Classification: Likely benign for Corticosterone 18-monooxygenase deficiency. Last evaluated: 2017-04-28. Review status: criteria provided, single submitter. Criteria: ICSL Variant Classification Criteria 13 December 2019. Collection method: clinical testing. Allele origin: germline.
Comment: the same text as in the submission from Illumina Laboratory Services, Illumina above.